The following is an entry in ClinVar:

NM_004999.4(MYO6):c.1078+4T>A

Gene: MYO6 (myosin VI; plus strand). Cytogenetic location: 6q14.1.
Variant type: single nucleotide variant.
Coding change: c.1078+4T>A on transcript NM_004999.4 (MANE Select); 4 bases into the intron after coding-DNA position 1078, T replaced by A.
Molecular consequence: intron variant.
Genome position (GRCh38, 1-based): chr6:75,848,535, T>A. VCF-style: chr6-75848535-T-A. GRCh37 (hg19) VCF-style: chr6-76558252-T-A.
Other names: c.1078+4T>A (NM_001368865.1, NM_001368866.1, NM_001368137.1 and 2 more transcripts); c.1063+4T>A (NM_001368138.1).
Identifiers: ClinVar variation 3251423 (VCV003251423.1), dbSNP rs753926161.

ClinVar aggregate classification (germline): Uncertain significance (1 of 4 stars; one submission).

Submission:

Women's Health and Genetics/Laboratory Corporation of America, LabCorp
Classification: Uncertain significance. Last evaluated: 2024-04-08. Review status: criteria provided, single submitter. Criteria: LabCorp Variant Classification Summary - May 2015. Collection method: clinical testing. Allele origin: germline.
Comment: Variant summary: MYO6 c.1078+4T>A alters a non-conserved nucleotide located close to a canonical splice site and therefore could affect mRNA splicing, leading to a significantly altered protein sequence. Consensus agreement among computation tools predict no significant impact on normal splicing. However, these predictions have yet to be confirmed by functional studies. The variant was absent in 244640 control chromosomes. The available data on variant occurrences in the general population are insufficient to allow any conclusion about variant significance. To our knowledge, no occurrence of c.1078+4T>A in individuals affected with MYO6-Related Disorders and no experimental evidence demonstrating its impact on protein function have been reported. No submitters have cited clinical-significance assessments for this variant to ClinVar. Based on the evidence outlined above, the variant was classified as uncertain significance.